The following is an entry in ClinVar:

NM_000465.4(BARD1):c.1527del (p.Ile509fs)

Gene: BARD1 (BRCA1 associated RING domain 1; minus strand). Cytogenetic location: 2q35.
Variant type: Deletion.
Coding change: c.1527del on transcript NM_000465.4 (MANE Select); coding-DNA position 1527, one base deleted (A; older notation c.1527delA).
Protein change: p.Ile509fs; shifts the reading frame from isoleucine 509.
Molecular consequence: frameshift variant. On other transcripts: non-coding transcript variant (3), intron variant (3).
Genome position (GRCh38, 1-based): chr2:214,767,523, T deleted on the plus strand (A on the coding strand, the reverse complement: BARD1 is on the minus strand). VCF-style (leftmost placement, unchanged base first): chr2-214767522-CT-C. GRCh37 (hg19) VCF-style: chr2-215632246-CT-C.
Other names: c.1470del, p.Ile490fs (NM_001282543.2); c.159-14968del (NM_001282548.2); c.216-14968del (NM_001282545.2); c.364+24774del (NM_001282549.2); short protein forms I490fs, I509fs.
Identifiers: ClinVar variation 5019950 (VCV005019950.2).

ClinVar aggregate classification (germline): Likely pathogenic (1 of 4 stars; one submission).

Conditions:
Familial cancer of breast. Also called: hereditary breast carcinoma; BREAST CANCER, FAMILIAL; Hereditary breast cancer. Identifiers: Orphanet 227535, MedGen C0346153, MONDO:0016419, OMIM 114480. Disease mechanism: loss of function.

Submission:

Juno Genomics, Hangzhou Juno Genomics, Inc
Classification: Likely pathogenic for Familial cancer of breast. Review status: criteria provided, single submitter. Criteria: ACMG Guidelines, 2015. Collection method: clinical testing. Allele origin: germline.
Comment: Absent from controls (or at extremely low frequency if recessive) in Genome Aggregation Database.;Null variant in a gene where loss of function (LOF) is a known mechanism of disease.